The following is an entry in ClinVar:

ClinVar aggregate classification (germline): Uncertain significance (1 of 4 stars; one submission).

Conditions:
Inborn genetic diseases. Identifiers: MedGen C0950123, MeSH D030342.

gnomAD v4.1: 28 of 1,613,698 alleles (0.0017%); highest among the groups gnomAD compares: Admixed American, 0.005%; no homozygotes.

Submission:

Ambry Genetics
Classification: Uncertain significance for Inborn genetic diseases. Last evaluated: 2025-11-13. Review status: criteria provided, single submitter. Criteria: Ambry Variant Classification Scheme 2023. Collection method: clinical testing. Allele origin: germline.
Comment: The c.344C>T (p.S115L) alteration is located in exon 4 (coding exon 3) of the PAK1 gene. This alteration results from a C to T substitution at nucleotide position 344, causing the serine (S) at amino acid position 115 to be replaced by a leucine (L). Based on data from gnomAD, the T allele has an overall frequency of 0.001% (2/251274) total alleles studied. The highest observed frequency was 0.005% (1/18390) of East Asian alleles. This amino acid position is not well conserved in available vertebrate species. This alteration is predicted to be tolerated by in silico analysis. Based on insufficient or conflicting evidence, the clinical significance of this alteration remains unclear.

NM_002576.5(PAK1):c.344C>T (p.Ser115Leu)

Gene: PAK1 (p21 (RAC1) activated kinase 1; minus strand). Cytogenetic location: 11q13.5.
Variant type: single nucleotide variant.
Coding change: c.344C>T on transcript NM_002576.5 (MANE Select); coding-DNA position 344, C replaced by T.
Protein change: p.Ser115Leu; replaces serine 115 with leucine.
Molecular consequence: missense variant. On other transcripts: non-coding transcript variant (2), intron variant (1).
Genome position (GRCh38, 1-based): chr11:77,379,336, G>A on the plus strand (C>T on the coding strand, the complement: PAK1 is on the minus strand). VCF-style: chr11-77379336-G-A. GRCh37 (hg19) VCF-style: chr11-77090381-G-A.
Other names: c.344C>T, p.Ser115Leu (NM_001376279.1, NM_001376280.1, NM_001376281.1 and 26 more transcripts); c.50C>T, p.Ser17Leu (NM_001376304.1, NM_001376305.1, NM_001376302.1); c.191-4971C>T (NM_001376301.1); c.365C>T, p.Ser122Leu (NM_001376272.1); short protein forms S115L, S122L, S17L.
Identifiers: ClinVar variation 4626856 (VCV004626856.1).